The following is an entry in ClinVar:

NM_000218.3(KCNQ1):c.381C>A (p.Phe127Leu)

Gene: KCNQ1 (potassium voltage-gated channel subfamily Q member 1; plus strand). Cytogenetic location: 11p15.5.
Variant type: single nucleotide variant.
Coding change: c.381C>A on transcript NM_000218.3 (MANE Select); coding-DNA position 381, C replaced by A.
Protein change: p.Phe127Leu; replaces phenylalanine 127 with leucine.
Molecular consequence: missense variant.
Genome position (GRCh38, 1-based): chr11:2,445,479, C>A. VCF-style: chr11-2445479-C-A. GRCh37 (hg19) VCF-style: chr11-2466709-C-A.
Other names: c.381C>A (LRG_287t1); short protein forms F127L.
Identifiers: ClinVar variation 67067 (VCV000067067.1), dbSNP rs199472682, ClinGen allele CA006925.
Genomic context (GRCh38, chr11:2,445,479, plus strand): 5'-GGGCCGCGTCTACAACTTCCTCGAGCGTCCCACCGGCTGGAAATGCTTCGTTTACCACTT[C>A]GCCGTGTGAGTATCGCCACCGGCGACGGCCGGCACGAAGGTGCTTCCTGAGAGCTGGTGT-3'
Protein context (NP_000209.2, residues 117-137): PTGWKCFVYH[Phe127Leu]AVFLIVLVCL

ClinVar aggregate classification (germline): not provided (0 of 4 stars; one submission).

Conditions:
Familial long QT syndrome (RWS). Also called: Congenital long QT syndrome; Romano-Ward syndrome; VENTRICULAR FIBRILLATION WITH PROLONGED QT INTERVAL. Identifiers: Orphanet 768, MedGen C1141890, MONDO:0019171.

gnomAD v4.1: 1 of 1,594,964 alleles (0.000063%); highest among the groups gnomAD compares: Non-Finnish European, 0.000085%; no homozygotes.

Submission:

Cardiovascular Biomedical Research Unit, Royal Brompton & Harefield NHS Foundation Trust
No classification provided. Condition: Familial long QT syndrome. Review status: no classification provided. Collection method: literature only. Allele origin: germline.
Comment: This variant has been reported as associated with Long QT syndrome in the following publications (PMID:19716085). This is a literature report, and does not necessarily reflect the clinical interpretation of the Imperial College / Royal Brompton Cardiovascular Genetics laboratory.

Literature cited by the submitters: PubMed 19716085; PubMed 22581653.